The following is an entry in ClinVar:

ClinVar aggregate classification (germline): Uncertain significance (1 of 4 stars; one submission).

Conditions:
Ataxia-telangiectasia syndrome (AT). Also called: ATAXIA-TELANGIECTASIA, FRESNO VARIANT; Ataxia-telangiectasia, complementation group D; AT, COMPLEMENTATION GROUP C; Ataxia-telangiectasia; Ataxia-telangiectasia, complementation group E; Ataxia telangiectasia (A-T). Identifiers: Orphanet 100, MedGen C0004135, MONDO:0008840, OMIM 208900.

Submission:

Labcorp Genetics (formerly Invitae), Labcorp
Classification: Uncertain significance for Ataxia-telangiectasia syndrome. Last evaluated: 2015-10-31. Review status: criteria provided, single submitter. Criteria: Invitae Variant Classification Sherloc (09022015). Collection method: clinical testing. Allele origin: germline.
Comment: This sequence change replaces threonine with serine at codon 913 of the ATM protein (p.Thr913Ser). The threonine residue is weakly conserved and there is a small physicochemical difference between threonine and serine. This variant is not present in population databases (ExAC no frequency) and has not been reported in the literature. The serine amino acid residue is found in multiple mammalian species, suggesting that this missense change does not adversely affect protein function. In addition, algorithms developed to predict the effect of missense changes on protein structure and function (SIFT, PolyPhen-2, Align-GVGD) all suggest that this variant is likely to be tolerated, but these predictions have not been confirmed by published functional studies. In summary, this is a novel missense change that is not predicted to affect protein function or cause disease. However the evidence is insufficient at this time to prove that conclusively. It has been classified as a Variant of Uncertain Significance.

NM_000051.4(ATM):c.2737A>T (p.Thr913Ser)

Gene: ATM (ATM serine/threonine kinase; plus strand). Cytogenetic location: 11q22.3.
Variant type: single nucleotide variant.
Coding change: c.2737A>T on transcript NM_000051.4 (MANE Select); coding-DNA position 2737, A replaced by T.
Protein change: p.Thr913Ser; replaces threonine 913 with serine.
Molecular consequence: missense variant.
Genome position (GRCh38, 1-based): chr11:108,268,508, A>T. VCF-style: chr11-108268508-A-T. GRCh37 (hg19) VCF-style: chr11-108139235-A-T.
Other names: c.2737A>T, p.Thr913Ser (NM_001351834.2); short protein forms T913S.
Identifiers: ClinVar variation 1061363 (VCV001061363.8), dbSNP rs2135525084, ClinGen allele CA382545380.